The following is an entry in ClinVar:

ClinVar aggregate classification (germline): Uncertain significance. Review status: criteria provided, multiple submitters, no conflicts (2 of 4 stars). 2 submissions from 2 submitters: Uncertain significance (2). Last evaluated 2021-08-28.

Conditions:
Emery-Dreifuss muscular dystrophy 4, autosomal dominant (EDMD4). Also called: EMERY-DREIFUSS MUSCULAR DYSTROPHY 4 WITH VARIABLE FEATURES. Identifiers: Orphanet 261, MedGen C2751807, MONDO:0013071, OMIM 612998.
Autosomal recessive ataxia, Beauce type. Also called: SYNE1-Related Autosomal Recessive Cerebellar Ataxia; Spinocerebellar ataxia, autosomal recessive 8; ATAXIA, RECESSIVE, OF BEAUCE; SYNE1 Deficiency. Identifiers: Orphanet 88644, MedGen C1853116, MONDO:0012549, OMIM 610743.

Allele frequency attached by ClinVar (database versions not stated): gnomAD exomes below 0.00001; TOPMed below 0.00001.
gnomAD v4.1: 1 of 1,613,840 alleles (0.000062%); highest among the groups gnomAD compares: East Asian, 0.0022%; no homozygotes.

Submissions (2):

Labcorp Genetics (formerly Invitae), Labcorp
Classification: Uncertain significance for Emery-Dreifuss muscular dystrophy 4, autosomal dominant; Autosomal recessive ataxia, Beauce type. Last evaluated: 2021-08-28. Review status: criteria provided, single submitter. Criteria: Invitae Variant Classification Sherloc (09022015). Collection method: clinical testing. Allele origin: germline.
Comment: This sequence change replaces glutamic acid with lysine at codon 8431 of the SYNE1 protein (p.Glu8431Lys). The glutamic acid residue is moderately conserved and there is a small physicochemical difference between glutamic acid and lysine. This variant is not present in population databases (ExAC no frequency). This variant has not been reported in the literature in individuals affected with SYNE1-related conditions. ClinVar contains an entry for this variant (Variation ID: 586730). Algorithms developed to predict the effect of missense changes on protein structure and function are either unavailable or do not agree on the potential impact of this missense change (SIFT: "Deleterious"; PolyPhen-2: "Benign"; Align-GVGD: "Class C0"). In summary, the available evidence is currently insufficient to determine the role of this variant in disease. Therefore, it has been classified as a Variant of Uncertain Significance.

Athena Diagnostics
Classification: Uncertain significance. Last evaluated: 2018-07-26. Review status: criteria provided, single submitter. Criteria: Athena Diagnostics Criteria. Collection method: clinical testing. Allele origin: germline.

NM_182961.4(SYNE1):c.25435G>A (p.Glu8479Lys)

Gene: SYNE1 (spectrin repeat containing nuclear envelope protein 1; minus strand). Cytogenetic location: 6q25.2.
Variant type: single nucleotide variant.
Coding change: c.25435G>A on transcript NM_182961.4 (MANE Select); coding-DNA position 25435, G replaced by A.
Protein change: p.Glu8479Lys; replaces glutamic acid 8479 with lysine.
Molecular consequence: missense variant.
Genome position (GRCh38, 1-based): chr6:152,139,973, C>T on the plus strand (G>A on the coding strand, the complement: SYNE1 is on the minus strand). VCF-style: chr6-152139973-C-T. GRCh37 (hg19) VCF-style: chr6-152461108-C-T.
Other names: c.2041G>A, p.Glu681Lys (NM_001347701.2); c.1969G>A, p.Glu657Lys (NM_001347702.2); c.25291G>A, p.Glu8431Lys (NM_033071.5); short protein forms E8431K, E8479K, E657K, E681K.
Identifiers: ClinVar variation 586730 (VCV000586730.7), dbSNP rs754577367, ClinGen allele CA150165450.